The following is an entry in ClinVar:

ClinVar aggregate classification (germline): Pathogenic (1 of 4 stars; one submission).

Conditions:
Primary ciliary dyskinesia. Also called: Ciliary dyskinesia. Identifiers: Orphanet 244, MedGen C0008780, MONDO:0016575, HP:0012265.

Submission:

Labcorp Genetics (formerly Invitae), Labcorp
Classification: Pathogenic for Primary ciliary dyskinesia. Last evaluated: 2023-08-04. Review status: criteria provided, single submitter. Criteria: Invitae Variant Classification Sherloc (09022015). Collection method: clinical testing. Allele origin: germline.
Comment: A gross deletion of the genomic region encompassing the full coding sequence of the DNAAF3 gene has been identified. Loss-of-function variants in DNAAF3 are known to be pathogenic (PMID: 22387996). The boundaries of this event are unknown as they extend beyond the assayed region for this gene and therefore may encompass additional genes. This variant has not been reported in the literature in individuals affected with DNAAF3-related conditions. For these reasons, this variant has been classified as Pathogenic.

Literature cited by the submitters: PubMed 22387996.

NC_000019.9:g.(?_55644283)_(55678016_?)del

Genes: DNAAF3 (dynein axonemal assembly factor 3; minus strand), TNNI3 (troponin I3, cardiac type; minus strand), TNNT1 (troponin T1, slow skeletal type; minus strand). Cytogenetic location: 19q13.42.
Variant type: Deletion.
Identifiers: ClinVar variation 2424027 (VCV002424027.12).